The following is an entry in ClinVar:

ClinVar aggregate classification (germline): Uncertain significance (1 of 4 stars; one submission).

Submission:

Ambry Genetics
Classification: Uncertain significance. Last evaluated: 2023-03-18. Review status: criteria provided, single submitter. Criteria: Ambry Variant Classification Scheme 2023. Collection method: clinical testing. Allele origin: germline.
Comment: The p.S291L variant (also known as c.872C>T), located in coding exon 3 of the TERF2IP gene, results from a C to T substitution at nucleotide position 872. The serine at codon 291 is replaced by leucine, an amino acid with dissimilar properties. This amino acid position is conserved. In addition, this alteration is predicted to be tolerated by in silico analysis. Since supporting evidence is limited at this time, the clinical significance of this alteration remains unclear.

NM_018975.4(TERF2IP):c.872C>T (p.Ser291Leu)

Gene: TERF2IP (TERF2 interacting protein; plus strand). Cytogenetic location: 16q23.1.
Variant type: single nucleotide variant.
Coding change: c.872C>T on transcript NM_018975.4 (MANE Select); coding-DNA position 872, C replaced by T.
Protein change: p.Ser291Leu; replaces serine 291 with leucine.
Molecular consequence: missense variant. On other transcripts: non-coding transcript variant (1).
Genome position (GRCh38, 1-based): chr16:75,656,283, C>T. VCF-style: chr16-75656283-C-T. GRCh37 (hg19) VCF-style: chr16-75690181-C-T.
Other names: short protein forms S291L.
Identifiers: ClinVar variation 2561637 (VCV002561637.2), dbSNP rs150990220, ClinGen allele CA396819768.